The following is an entry in ClinVar:

NM_004320.6(ATP2A1):c.2683G>A (p.Glu895Lys)

Gene: ATP2A1 (ATPase sarcoplasmic/endoplasmic reticulum Ca2+ transporting 1; plus strand). Cytogenetic location: 16p11.2.
Variant type: single nucleotide variant.
Coding change: c.2683G>A on transcript NM_004320.6 (MANE Select); coding-DNA position 2683, G replaced by A.
Protein change: p.Glu895Lys; replaces glutamic acid 895 with lysine.
Molecular consequence: missense variant.
Genome position (GRCh38, 1-based): chr16:28,902,850, G>A. VCF-style: chr16-28902850-G-A. GRCh37 (hg19) VCF-style: chr16-28914171-G-A.
Other names: c.2308G>A, p.Glu770Lys (NM_001286075.2); c.2683G>A, p.Glu895Lys (NM_173201.5); short protein forms E895K, E770K.
Identifiers: ClinVar variation 1438012 (VCV001438012.6), dbSNP rs756620939, ClinGen allele CA7987352.

ClinVar aggregate classification (germline): Uncertain significance (1 of 4 stars; one submission).

Conditions:
Brody myopathy. Also called: BRODY DISEASE. Identifiers: Orphanet 53347, MedGen C1832918, MONDO:0010977, OMIM 601003.

Allele frequency attached by ClinVar (database versions not stated): gnomAD 0.00001; TOPMed 0.00001; gnomAD exomes 0.00002; ExAC 0.00004.
gnomAD v4.1: 27 of 1,613,736 alleles (0.0017%); highest among the groups gnomAD compares: South Asian, 0.0055%; 1 homozygote.

Submission:

Labcorp Genetics (formerly Invitae), Labcorp
Classification: Uncertain significance for Brody myopathy. Last evaluated: 2022-10-13. Review status: criteria provided, single submitter. Criteria: Invitae Variant Classification Sherloc (09022015). Collection method: clinical testing. Allele origin: germline.
Comment: In summary, the available evidence is currently insufficient to determine the role of this variant in disease. Therefore, it has been classified as a Variant of Uncertain Significance. Algorithms developed to predict the effect of missense changes on protein structure and function (SIFT, PolyPhen-2, Align-GVGD) all suggest that this variant is likely to be tolerated. ClinVar contains an entry for this variant (Variation ID: 1438012). This variant has not been reported in the literature in individuals affected with ATP2A1-related conditions. This variant is present in population databases (rs756620939, gnomAD 0.01%). This sequence change replaces glutamic acid, which is acidic and polar, with lysine, which is basic and polar, at codon 895 of the ATP2A1 protein (p.Glu895Lys).